The following is an entry in ClinVar:

NM_001613.4(ACTA2):c.1067A>G (p.Gln356Arg)

Genes: ACTA2 (actin alpha 2, smooth muscle; minus strand), ACTA2-AS1 (ACTA2 antisense RNA 1; plus strand). Cytogenetic location: 10q23.31.
Variant type: single nucleotide variant.
Coding change: c.1067A>G on transcript NM_001613.4 (MANE Select); coding-DNA position 1067, A replaced by G.
Protein change: p.Gln356Arg; replaces glutamine 356 with arginine.
Molecular consequence: missense variant. On other transcripts: non-coding transcript variant (1).
Genome position (GRCh38, 1-based): chr10:88,935,290, T>C on the plus strand (A>G on the coding strand, the complement: ACTA2 is on the minus strand). VCF-style: chr10-88935290-T-C. GRCh37 (hg19) VCF-style: chr10-90695047-T-C.
Other names: c.1067A>G, p.Gln356Arg (NM_001141945.3, NM_001320855.2, NM_001406462.1 and 2 more transcripts); c.956A>G, p.Gln319Arg (NM_001406466.1); c.938A>G, p.Gln313Arg (NM_001406467.1, NM_001406468.1, NM_001406469.1); c.875A>G, p.Gln292Arg (NM_001406471.1); short protein forms Q313R, Q319R, Q356R, Q292R.
Identifiers: ClinVar variation 1996983 (VCV001996983.4), dbSNP rs2494501900, ClinGen allele CA377510471.
Genomic context (GRCh38, chr10:88,935,290, plus strand): 5'-CATTTGCGGTGGACAATGGAAGGCCCGGCTTCATCGTATTCCTGTTTGCTGATCCACATC[T>C]GCTGGAAGGTGGACAGAGAGGCCAGGATGGAGCCACCGATCCAGACAGAGTATTTGCGCT-3'
Protein context (NP_001604.1, residues 346-366): SILASLSTFQ[Gln356Arg]MWISKQEYDE

ClinVar aggregate classification (germline): Uncertain significance (1 of 4 stars; one submission).

Conditions:
Aortic aneurysm, familial thoracic 6 (AAT6). Also called: FAMILIAL THORACIC AORTIC ANEURYSM WITH LIVEDO RETICULARIS AND IRIS FLOCCULI. Identifiers: MedGen C2673186, MONDO:0012730, OMIM 611788.

Submission:

Labcorp Genetics (formerly Invitae), Labcorp
Classification: Uncertain significance for Aortic aneurysm, familial thoracic 6. Last evaluated: 2023-05-08. Review status: criteria provided, single submitter. Criteria: Invitae Variant Classification Sherloc (09022015). Collection method: clinical testing. Allele origin: germline.
Comment: This variant is not present in population databases (gnomAD no frequency). This sequence change replaces glutamine, which is neutral and polar, with arginine, which is basic and polar, at codon 356 of the ACTA2 protein (p.Gln356Arg). This variant has not been reported in the literature in individuals affected with ACTA2-related conditions. In summary, the available evidence is currently insufficient to determine the role of this variant in disease. Therefore, it has been classified as a Variant of Uncertain Significance. Advanced modeling of protein sequence and biophysical properties (such as structural, functional, and spatial information, amino acid conservation, physicochemical variation, residue mobility, and thermodynamic stability) performed at Invitae indicates that this missense variant is not expected to disrupt ACTA2 protein function. ClinVar contains an entry for this variant (Variation ID: 1996983).